The following is an entry in ClinVar:

NM_006267.5(RANBP2):c.9402C>T (p.Gly3134=)

Gene: RANBP2 (RAN binding protein 2; plus strand). Cytogenetic location: 2q13.
Variant type: single nucleotide variant.
Coding change: c.9402C>T on transcript NM_006267.5 (MANE Select); coding-DNA position 9402, C replaced by T.
Protein change: p.Gly3134=; no amino-acid change (glycine 3134 retained).
Molecular consequence: synonymous variant.
Genome position (GRCh38, 1-based): chr2:108,783,628, C>T. VCF-style: chr2-108783628-C-T. GRCh37 (hg19) VCF-style: chr2-109400084-C-T.
Identifiers: ClinVar variation 860409 (VCV000860409.26), dbSNP rs182073857, ClinGen allele CA1824026.
Genomic context (GRCh38, chr2:108,783,628, plus strand): 5'-ACTTTTTTATTATAAATCTTTTTTTCAGGGAGGAGATATCACCAAACATGATGGAACAGG[C>T]GGACAGTCCATTTATGGAGACAAATTTGAAGATGAAAATTTTGATGTGAAACATACTGGT-3'
Protein context (NP_006258.3, residues 3124-3144): GGDITKHDGT[Gly3134=]GQSIYGDKFE

ClinVar aggregate classification (germline): Likely benign. Review status: criteria provided, multiple submitters, no conflicts (2 of 4 stars). 3 submissions from 3 submitters: Likely benign (3). Last evaluated 2024-10-01.

Conditions:
Familial acute necrotizing encephalopathy (IIAE3). Also called: ENCEPHALOPATHY, ACUTE, INFECTION-INDUCED, SUSCEPTIBILITY TO, 3; Susceptibility to Acute Necrotizing Encephalopathy 1. Identifiers: Orphanet 88619, MedGen C2675556, MONDO:0011953, OMIM 608033.

Allele frequency attached by ClinVar (database versions not stated): gnomAD exomes 0.00003 and 0.00004; gnomAD 0.00005 and 0.00007; TOPMed 0.00005; ExAC 0.00006; ESP Exome Variant Server 0.00008; 1000 Genomes Project 30x 0.00016; 1000 Genomes Project 0.00020.
gnomAD v4.1: 60 of 1,612,278 alleles (0.0037%); highest among the groups gnomAD compares: Middle Eastern, 0.033%; no homozygotes.

Submissions (3):

CeGaT Center for Human Genetics Tuebingen
Classification: Likely benign. Last evaluated: 2024-10-01. Review status: criteria provided, single submitter. Criteria: CeGaT Center For Human Genetics Tuebingen Variant Classification Criteria Version 2. Collection method: clinical testing. Allele origin: germline. Affected: yes. Observed: 1 variant allele.
Comment: RANBP2: BP4, BP7

Blueprint Genetics
Classification: Likely benign. Last evaluated: 2024-06-09. Review status: criteria provided, single submitter. Criteria: ACMG Guidelines, 2015. Collection method: clinical testing. Allele origin: germline.

Labcorp Genetics (formerly Invitae), Labcorp
Classification: Likely benign for Familial acute necrotizing encephalopathy. Last evaluated: 2024-02-26. Review status: criteria provided, single submitter. Criteria: Invitae Variant Classification Sherloc (09022015). Collection method: clinical testing. Allele origin: germline.